The following is an entry in ClinVar:

ClinVar aggregate classification (germline): Likely benign. Review status: criteria provided, single submitter (1 of 4 stars). 2 submissions from 2 submitters: Likely benign (1). 1 of the submissions does not count toward it. Last evaluated 2024-04-23.

Conditions:
Glycine encephalopathy. Also called: Non-ketotic hyperglycinemia; Nonketotic hyperglycinemia. Identifiers: Orphanet 407, MedGen C0751748, MONDO:0011612, HP:0008288.
GCSH-related disorder. Also called: GCSH-related condition.

Allele frequency attached by ClinVar (database versions not stated): 1000 Genomes Project 30x 0.00016; gnomAD 0.00025 and 0.00031; TOPMed 0.00046.
gnomAD v4.1: 60 of 1,318,164 alleles (0.0046%); highest among the groups gnomAD compares: Admixed American, 0.17%; 1 homozygote.

Submissions (2):

Labcorp Genetics (formerly Invitae), Labcorp
Classification: Likely benign for Glycine encephalopathy. Last evaluated: 2024-04-23. Review status: criteria provided, single submitter. Criteria: Invitae Variant Classification Sherloc (09022015). Collection method: clinical testing. Allele origin: germline.

PreventionGenetics, part of Exact Sciences
Classification: Likely benign for GCSH-related condition. Last evaluated: 2019-04-17. Review status: no assertion criteria provided. Collection method: clinical testing. Allele origin: germline. Not counted in ClinVar's aggregate classification.
Comment: This variant is classified as likely benign based on ACMG/AMP sequence variant interpretation guidelines (Richards et al. 2015 PMID: 25741868, with internal and published modifications).

NM_004483.5(GCSH):c.72G>T (p.Ala24=)

Genes: GCSH (glycine cleavage system protein H; minus strand), LOC130059495 (ATAC-STARR-seq lymphoblastoid silent region 7751; plus strand). Cytogenetic location: 16q23.2.
Variant type: single nucleotide variant.
Coding change: c.72G>T on transcript NM_004483.5 (MANE Select); coding-DNA position 72, G replaced by T.
Protein change: p.Ala24=; no amino-acid change (alanine 24 retained).
Molecular consequence: synonymous variant. On other transcripts: non-coding transcript variant (1).
Genome position (GRCh38, 1-based): chr16:81,096,207, C>A on the plus strand (G>T on the coding strand, the complement: GCSH is on the minus strand). VCF-style: chr16-81096207-C-A. GRCh37 (hg19) VCF-style: chr16-81129812-C-A.
Identifiers: ClinVar variation 699808 (VCV000699808.13), dbSNP rs1010129827, ClinGen allele CA284249661.